The following is an entry in ClinVar:

NM_001999.4(FBN2):c.3486T>G (p.Cys1162Trp)

Gene: FBN2 (fibrillin 2; minus strand). Cytogenetic location: 5q23.3.
Variant type: single nucleotide variant.
Coding change: c.3486T>G on transcript NM_001999.4 (MANE Select); coding-DNA position 3486, T replaced by G.
Protein change: p.Cys1162Trp; replaces cysteine 1162 with tryptophan.
Molecular consequence: missense variant.
Genome position (GRCh38, 1-based): chr5:128,338,109, A>C on the plus strand (T>G on the coding strand, the complement: FBN2 is on the minus strand). VCF-style: chr5-128338109-A-C. GRCh37 (hg19) VCF-style: chr5-127673801-A-C.
Other names: short protein forms C1162W.
Identifiers: ClinVar variation 519859 (VCV000519859.5), dbSNP rs1554123064, ClinGen allele CA360759557.

ClinVar aggregate classification (germline): Likely pathogenic (1 of 4 stars; one submission).

Conditions:
Familial thoracic aortic aneurysm and aortic dissection (TAAD). Also called: Thoracic aortic aneurysms and dissections. Identifiers: Orphanet 91387, MedGen C4707243, MONDO:0019625.

Submission:

Ambry Genetics
Classification: Likely pathogenic for Familial thoracic aortic aneurysm and aortic dissection. Last evaluated: 2017-06-15. Review status: criteria provided, single submitter. Criteria: Ambry Variant Classification Scheme 2023. Collection method: clinical testing. Allele origin: germline.
Comment: The p.C1162W variant (also known as c.3486T>G), located in coding exon 27 of the FBN2 gene, results from a T to G substitution at nucleotide position 3486. The cysteine at codon 1162 is replaced by tryptophan, an amino acid with highly dissimilar properties. Based on internal structural assessment, this alteration eliminates a structurally critical disulfide bond in cbEGF domain #13. In one study, 13 of 14 reported FBN2 mutations were found in the central region of the gene (exons 24-36), and 7 of these mutations were noted to alter or produce a cysteine residue (Callewaert BL et al. Hum Mutat. 2009;30(3):334-341). This amino acid position is highly conserved in available vertebrate species. In addition, this alteration is predicted to be deleterious by in silico analysis. Based on the majority of available evidence to date, this variant is likely to be pathogenic.